The following is an entry in ClinVar:

NM_001258392.3(CLPB):c.1796G>A (p.Arg599His)

Gene: CLPB (ClpB family mitochondrial disaggregase; minus strand). Cytogenetic location: 11q13.4.
Variant type: single nucleotide variant.
Coding change: c.1796G>A on transcript NM_001258392.3 (MANE Select); coding-DNA position 1796, G replaced by A.
Protein change: p.Arg599His; replaces arginine 599 with histidine.
Molecular consequence: missense variant.
Genome position (GRCh38, 1-based): chr11:72,293,605, C>T on the plus strand (G>A on the coding strand, the complement: CLPB is on the minus strand). VCF-style: chr11-72293605-C-T. GRCh37 (hg19) VCF-style: chr11-72004649-C-T.
Other names: c.1709G>A, p.Arg570His (NM_001258393.3); c.1751G>A, p.Arg584His (NM_001258394.3); c.1886G>A, p.Arg629His (NM_030813.6); short protein forms R570H, R599H, R629H, R584H.
Identifiers: ClinVar variation 718901 (VCV000718901.12), dbSNP rs149463053, ClinGen allele CA6171020.

ClinVar aggregate classification (germline): Likely benign. Review status: criteria provided, multiple submitters, no conflicts (2 of 4 stars). 2 submissions from 2 submitters: Likely benign (2). Last evaluated 2025-11-11.

Conditions:
CLPB-related disorder. Also called: CLPB-related condition.
3-methylglutaconic aciduria, type VIIB (MGCA7B). Also called: 3-methylglutaconic aciduria, type VII, with cataracts, neurologic involvement and neutropenia; CLPB Deficiency; 3-methylglutaconic aciduria with cataracts, neurologic involvement and neutropenia. Identifiers: Orphanet 445038, MedGen C5676893, MONDO:0014561, OMIM 616271.

Allele frequency attached by ClinVar (database versions not stated): gnomAD exomes 0.00048; ExAC 0.00050; gnomAD 0.00148 and 0.00151; ESP Exome Variant Server 0.00154; TOPMed 0.00173; 1000 Genomes Project 0.00300; 1000 Genomes Project 30x 0.00437.
gnomAD v4.1: 513 of 1,612,288 alleles (0.032%); highest among the groups gnomAD compares: African/African-American, 0.49%; 3 homozygotes.

Submissions (2):

Labcorp Genetics (formerly Invitae), Labcorp
Classification: Likely benign for 3-methylglutaconic aciduria, type VIIB. Last evaluated: 2025-11-11. Review status: criteria provided, single submitter. Criteria: Invitae Variant Classification Sherloc (09022015). Collection method: clinical testing. Allele origin: germline.

PreventionGenetics, part of Exact Sciences
Classification: Likely benign for CLPB-related condition. Last evaluated: 2025-08-28. Review status: criteria provided, single submitter. Criteria: ACMG Guidelines, 2015. Collection method: clinical testing. Allele origin: germline.
Comment: This variant is classified as likely benign based on ACMG/AMP sequence variant interpretation guidelines (Richards et al. 2015 PMID: 25741868, with internal and published modifications).